The following is an entry in ClinVar:

NM_004369.4(COL6A3):c.9137G>T (p.Gly3046Val)

Gene: COL6A3 (collagen type VI alpha 3 chain; minus strand). Cytogenetic location: 2q37.3.
Variant type: single nucleotide variant.
Coding change: c.9137G>T on transcript NM_004369.4 (MANE Select); coding-DNA position 9137, G replaced by T.
Protein change: p.Gly3046Val; replaces glycine 3046 with valine.
Molecular consequence: missense variant.
Genome position (GRCh38, 1-based): chr2:237,334,718, C>A on the plus strand (G>T on the coding strand, the complement: COL6A3 is on the minus strand). VCF-style: chr2-237334718-C-A. GRCh37 (hg19) VCF-style: chr2-238243361-C-A.
Other names: c.7316G>T, p.Gly2439Val (NM_057166.5); c.8519G>T, p.Gly2840Val (NM_057167.4); short protein forms G2439V, G2840V, G3046V.
Identifiers: ClinVar variation 2742169 (VCV002742169.3), dbSNP rs1700442339, ClinGen allele CA351188381.

ClinVar aggregate classification (germline): Uncertain significance (1 of 4 stars; one submission).

Conditions:
Bethlem myopathy 1A. Also called: Bethlem myopathy 1; Bethlem Muscular Dystrophy; MYOPATHY, BENIGN CONGENITAL, WITH CONTRACTURES. Identifiers: Orphanet 610, MedGen CN029274, MONDO:0024530, OMIM 158810.

Allele frequency attached by ClinVar (database versions not stated): TOPMed below 0.00001.
gnomAD v4.1: 1 of 1,614,078 alleles (0.000062%); highest among the groups gnomAD compares: Non-Finnish European, 0.000085%; no homozygotes.

Submission:

Labcorp Genetics (formerly Invitae), Labcorp
Classification: Uncertain significance for Bethlem myopathy 1A. Last evaluated: 2022-11-23. Review status: criteria provided, single submitter. Criteria: Invitae Variant Classification Sherloc (09022015). Collection method: clinical testing. Allele origin: germline.
Comment: In summary, the available evidence is currently insufficient to determine the role of this variant in disease. Therefore, it has been classified as a Variant of Uncertain Significance. Advanced modeling of protein sequence and biophysical properties (such as structural, functional, and spatial information, amino acid conservation, physicochemical variation, residue mobility, and thermodynamic stability) performed at Invitae indicates that this missense variant is not expected to disrupt COL6A3 protein function. This variant has not been reported in the literature in individuals affected with COL6A3-related conditions. This variant is not present in population databases (gnomAD no frequency). This sequence change replaces glycine, which is neutral and non-polar, with valine, which is neutral and non-polar, at codon 3046 of the COL6A3 protein (p.Gly3046Val).